The following is an entry in ClinVar:

ClinVar aggregate classification (germline): Likely benign. Review status: criteria provided, multiple submitters, no conflicts (2 of 4 stars). 3 submissions from 3 submitters: Likely benign (3). Last evaluated 2025-10-13.

Conditions:
Spermatogenic failure 18. Identifiers: MedGen C4539783, MONDO:0054615, OMIM 617576.
Ciliary dyskinesia, primary, 37 (CILD37). Also called: CILIARY DYSKINESIA, PRIMARY, 37, WITH OR WITHOUT SITUS INVERSUS. Identifiers: MedGen C4539798, MONDO:0033204, OMIM 617577.

Allele frequency attached by ClinVar (database versions not stated): gnomAD 0.00021 and 0.00019; TOPMed 0.00023; gnomAD exomes 0.00043 and 0.00018; ExAC 0.00012; ESP Exome Variant Server 0.00016.
gnomAD v4.1: 631 of 1,580,970 alleles (0.04%); highest among the groups gnomAD compares: Non-Finnish European, 0.053%; 1 homozygote.

Submissions (3):

Labcorp Genetics (formerly Invitae), Labcorp
Classification: Likely benign for Ciliary dyskinesia, primary, 37; Spermatogenic failure 18. Last evaluated: 2025-10-13. Review status: criteria provided, single submitter. Criteria: Invitae Variant Classification Sherloc (09022015). Collection method: clinical testing. Allele origin: germline.

Blueprint Genetics
Classification: Likely benign. Last evaluated: 2024-09-09. Review status: criteria provided, single submitter. Criteria: ACMG Guidelines, 2015. Collection method: clinical testing. Allele origin: germline.

CeGaT Center for Human Genetics Tuebingen
Classification: Likely benign. Last evaluated: 2024-04-01. Review status: criteria provided, single submitter. Criteria: CeGaT Center For Human Genetics Tuebingen Variant Classification Criteria Version 2. Collection method: clinical testing. Allele origin: germline. Affected: yes. Observed: 1 variant allele.
Comment: DNAH1: BP4, BP7

NM_015512.5(DNAH1):c.10803C>T (p.Phe3601=)

Gene: DNAH1 (dynein axonemal heavy chain 1; plus strand). Cytogenetic location: 3p21.1.
Variant type: single nucleotide variant.
Coding change: c.10803C>T on transcript NM_015512.5 (MANE Select); coding-DNA position 10803, C replaced by T.
Protein change: p.Phe3601=; no amino-acid change (phenylalanine 3601 retained).
Molecular consequence: synonymous variant.
Genome position (GRCh38, 1-based): chr3:52,394,641, C>T. VCF-style: chr3-52394641-C-T. GRCh37 (hg19) VCF-style: chr3-52428657-C-T.
Identifiers: ClinVar variation 478389 (VCV000478389.31), dbSNP rs373290672, ClinGen allele CA2435952.